The following is an entry in ClinVar:

NM_000152.5(GAA):c.1758G>A (p.Ala586=)

Gene: GAA (alpha glucosidase; plus strand). Cytogenetic location: 17q25.3.
Variant type: single nucleotide variant.
Coding change: c.1758G>A on transcript NM_000152.5 (MANE Select); coding-DNA position 1758, G replaced by A.
Protein change: p.Ala586=; no amino-acid change (alanine 586 retained).
Molecular consequence: synonymous variant.
Genome position (GRCh38, 1-based): chr17:80,112,581, G>A. VCF-style: chr17-80112581-G-A. GRCh37 (hg19) VCF-style: chr17-78086380-G-A.
Other names: c.1758G>A (LRG_673t1); c.1758G>A, p.Ala586= (NM_001079803.3, NM_001079804.3).
Identifiers: ClinVar variation 391582 (VCV000391582.50), dbSNP rs79795428, ClinGen allele CA8815470.
Genomic context (GRCh38, chr17:80,112,581, plus strand): 5'-AGGGTTCCCGAGTGACCCCGCTCCACACAGCCCTCACGGTGTCCCCCACCACCCCAGGGC[G>A]CTGGTGAAGGCTCGGGGGACACGCCCATTTGTGATCTCCCGCTCGACCTTTGCTGGCCAC-3'
Protein context (NP_000143.2, residues 576-596): GLTEAIASHR[Ala586=]LVKARGTRPF

ClinVar aggregate classification (germline): Benign/Likely benign. Review status: criteria provided, multiple submitters, no conflicts (2 of 4 stars). 7 submissions from 7 submitters: Benign (1); Likely benign (6). Last evaluated 2026-09-01.

Conditions:
Glycogen storage disease, type II (IOPD). Also called: Glucosidase acid-1,4-alpha deficiency; Pompe Disease; POMPE DISEASE, INFANTILE-ONSET; GLYCOGEN STORAGE DISEASE II, INFANTILE-ONSET; ACID ALPHA-GLUCOSIDASE DEFICIENCY, INFANTILE-ONSET; GAA DEFICIENCY, INFANTILE-ONSET. Identifiers: Orphanet 365, MedGen C0017921, MONDO:0009290, OMIM 232300.
Cardiovascular phenotype. Identifiers: MedGen CN230736.

Allele frequency attached by ClinVar (database versions not stated): gnomAD 0.00010 and 0.00021; TOPMed 0.00028; gnomAD exomes 0.00045; ExAC 0.00047; 1000 Genomes Project 30x 0.00187; 1000 Genomes Project 0.00200.
gnomAD v4.1: 310 of 1,613,026 alleles (0.019%); highest among the groups gnomAD compares: East Asian, 0.51%; 2 homozygotes.

Submissions (7):

CeGaT Center for Human Genetics Tuebingen
Classification: Likely benign. Last evaluated: 2026-09-01. Review status: criteria provided, single submitter. Criteria: CeGaT Center For Human Genetics Tuebingen Variant Classification Criteria Version 2. Collection method: clinical testing. Allele origin: germline. Affected: yes. Observed: 3 variant alleles.
Comment: GAA: BP4, BP7

Labcorp Genetics (formerly Invitae), Labcorp
Classification: Benign for Glycogen storage disease, type II. Last evaluated: 2026-01-23. Review status: criteria provided, single submitter. Criteria: Invitae Variant Classification Sherloc (09022015). Collection method: clinical testing. Allele origin: germline.

Blueprint Genetics
Classification: Likely benign. Last evaluated: 2024-07-11. Review status: criteria provided, single submitter. Criteria: ACMG Guidelines, 2015. Collection method: clinical testing. Allele origin: germline.

Ambry Genetics
Classification: Likely benign for Cardiovascular phenotype. Last evaluated: 2022-03-30. Review status: criteria provided, single submitter. Criteria: Ambry Variant Classification Scheme 2023. Collection method: clinical testing. Allele origin: germline.

Genome-Nilou Lab
Classification: Likely benign for Glycogen storage disease, type II. Last evaluated: 2021-07-22. Review status: criteria provided, single submitter. Criteria: ACMG Guidelines, 2015. Collection method: clinical testing. Allele origin: germline. Affected: no.

Eurofins Ntd Llc (ga)
Classification: Likely benign. Last evaluated: 2017-10-11. Review status: criteria provided, single submitter. Criteria: EGL Classification Definitions 2015. Collection method: clinical testing. Allele origin: germline. Observed: 1 variant allele, 1 heterozygote.

GeneDx
Classification: Likely benign. Last evaluated: 2017-08-18. Review status: criteria provided, single submitter. Criteria: GeneDx Variant Classification (06012015). Collection method: clinical testing. Allele origin: germline. Affected: yes.
Comment: This variant is considered likely benign or benign based on one or more of the following criteria: it is a conservative change, it occurs at a poorly conserved position in the protein, it is predicted to be benign by multiple in silico algorithms, and/or has population frequency not consistent with disease.